The following is an entry in ClinVar:

NM_002184.4(IL6ST):c.2121del (p.Asp707_Leu708insTer)

Gene: IL6ST (interleukin 6 cytokine family signal transducer; minus strand). Cytogenetic location: 5q11.2.
Variant type: Deletion.
Coding change: c.2121del on transcript NM_002184.4 (MANE Select); coding-DNA position 2121, one base deleted (T; older notation c.2121delT).
Protein change: p.Asp707_Leu708insTer.
Molecular consequence: frameshift variant. On other transcripts: 3 prime UTR variant (1), non-coding transcript variant (2).
Genome position (GRCh38, 1-based): chr5:55,941,718, A deleted on the plus strand (T on the coding strand, the reverse complement: IL6ST is on the minus strand). VCF-style (leftmost placement, unchanged base first): chr5-55941717-GA-G. GRCh37 (hg19) VCF-style: chr5-55237545-GA-G.
Other names: c.1938del, p.Asp646_Leu647insTer (NM_001190981.2); c.2019del, p.Asp673_Leu674insTer (NM_001364275.2); c.1911del, p.Asp637_Leu638insTer (NM_001364276.2); c.1254del, p.Asp418_Leu419insTer (NM_001364277.2); c.1218del, p.Asp406_Leu407insTer (NM_001364278.2); c.1125del, p.Asp375_Leu376insTer (NM_001364279.2); c.*1048del (NM_175767.3).
Identifiers: ClinVar variation 977744 (VCV000977744.5), dbSNP rs1750932254, ClinGen allele CA1139658846.

ClinVar aggregate classification (germline): Uncertain significance. Review status: criteria provided, single submitter (1 of 4 stars). 2 submissions from 2 submitters: Uncertain significance (1). 1 of the submissions does not count toward it. Last evaluated 2018-11-06.

Conditions:
Hyper-IgE recurrent infection syndrome 4A, autosomal dominant (HIES4A). Also called: HYPER-IgE SYNDROME 4A, AUTOSOMAL DOMINANT, WITH RECURRENT INFECTIONS. Identifiers: MedGen C5676920, MONDO:0800131, OMIM 619752.
Hyper-IgE recurrent infection syndrome 1, autosomal dominant. Also called: STAT3 Hyper IgE Syndrome; Hyper-IgE recurrent infection syndrome 1; HYPER-IgE SYNDROME 1, AUTOSOMAL DOMINANT, WITH RECURRENT INFECTIONS; Job's Syndrome; JOB SYNDROME. Identifiers: Orphanet 2314, MedGen C2936739, MONDO:0007818, OMIM 147060.

Submissions (2):

Undiagnosed Diseases Network, NIH
Classification: Uncertain significance for Autosomal dominant hyper IgE syndrome. Last evaluated: 2018-11-06. Review status: criteria provided, single submitter. Criteria: ACMG Guidelines, 2015. Collection method: clinical testing. Allele origin: de novo. Inheritance: Autosomal dominant inheritance. Affected: yes. Observed: 1 variant allele, 1 heterozygote. Study: Undiagnosed Diseases Network (NIH), UDN.

OMIM
Classification: Pathogenic for HYPER-IgE SYNDROME 4A, AUTOSOMAL DOMINANT, WITH RECURRENT INFECTIONS. Last evaluated: 2023-10-05. Review status: no assertion criteria provided. Collection method: literature only. Allele origin: germline. Not counted in ClinVar's aggregate classification.

Literature cited by the submitters: PubMed 32207811 (cited by Undiagnosed Diseases Network, NIH and OMIM).